The following is an entry in ClinVar:

NC_000017.11:g.(?_74299708)_(74305452_?)del

Gene: DNAI2 (dynein axonemal intermediate chain 2; plus strand). Cytogenetic location: 17q25.1.
Variant type: Deletion.
Identifiers: ClinVar variation 831419 (VCV000831419.2).

ClinVar aggregate classification (germline): Pathogenic (1 of 4 stars; one submission).

Conditions:
Primary ciliary dyskinesia. Also called: Ciliary dyskinesia. Identifiers: Orphanet 244, MedGen C0008780, MONDO:0016575, HP:0012265.

Submission:

Labcorp Genetics (formerly Invitae), Labcorp
Classification: Pathogenic for Primary ciliary dyskinesia. Last evaluated: 2022-10-20. Review status: criteria provided, single submitter. Criteria: Invitae Variant Classification Sherloc (09022015). Collection method: clinical testing. Allele origin: germline.
Comment: This variant is a gross deletion of the genomic region encompassing exon(s) 7-9 of the DNAI2 gene. This deletion is out-of-frame, and is expected to create a premature termination codon and result in an absent or disrupted protein product. Loss-of-function variants in DNAI2 are known to be pathogenic (PMID: 18950741, 23891469). This variant has not been reported in the literature in individuals affected with DNAI2-related conditions. For these reasons, this variant has been classified as Pathogenic.

Literature cited by the submitters: PubMed 18950741; PubMed 23891469.